The following is an entry in ClinVar:

ClinVar aggregate classification (germline): Uncertain significance (1 of 4 stars; one submission).

Submission:

GeneDx
Classification: Uncertain significance. Last evaluated: 2025-06-23. Review status: criteria provided, single submitter. Criteria: GeneDx Variant Classification Process June 2021. Collection method: clinical testing. Allele origin: germline. Affected: yes.
Comment: Not observed at significant frequency in large population cohorts (gnomAD); In silico analysis suggests that this missense variant does not alter protein structure/function; Has not been previously published as pathogenic or benign to our knowledge

NM_015175.3(NBEAL2):c.2986G>C (p.Val996Leu)

Gene: NBEAL2 (neurobeachin like 2; plus strand). Cytogenetic location: 3p21.31.
Variant type: single nucleotide variant.
Coding change: c.2986G>C on transcript NM_015175.3 (MANE Select); coding-DNA position 2986, G replaced by C.
Protein change: p.Val996Leu; replaces valine 996 with leucine.
Molecular consequence: missense variant.
Genome position (GRCh38, 1-based): chr3:46,998,094, G>C. VCF-style: chr3-46998094-G-C. GRCh37 (hg19) VCF-style: chr3-47039584-G-C.
Other names: c.2884G>C, p.Val962Leu (NM_001365116.2); short protein forms V962L, V996L.
Identifiers: ClinVar variation 4540150 (VCV004540150.1).